The following is an entry in ClinVar:

NM_015272.5(RPGRIP1L):c.890G>A (p.Arg297Lys)

Gene: RPGRIP1L (RPGRIP1 like; minus strand). Cytogenetic location: 16q12.2.
Variant type: single nucleotide variant.
Coding change: c.890G>A on transcript NM_015272.5 (MANE Select); coding-DNA position 890, G replaced by A.
Protein change: p.Arg297Lys; replaces arginine 297 with lysine.
Molecular consequence: missense variant.
Genome position (GRCh38, 1-based): chr16:53,673,009, C>T on the plus strand (G>A on the coding strand, the complement: RPGRIP1L is on the minus strand). VCF-style: chr16-53673009-C-T. GRCh37 (hg19) VCF-style: chr16-53706921-C-T.
Other names: c.890G>A, p.Arg297Lys (NM_001127897.4, NM_001308334.3, NM_001330538.2); c.890G>A (NM_015272.4); short protein forms R297K.
Identifiers: ClinVar variation 2192108 (VCV002192108.4), dbSNP rs550484136, ClinGen allele CA395923044.
Genomic context (GRCh38, chr16:53,673,009, plus strand): 5'-AGTTGCATGTTTAATTCATCCCCATTTGCCATCAAAGCATCGTGGCTGATTCTGAGAGTT[C>T]TTTGCTTCTAAAAGATAAAAAGAACATCTTTCAAACATTATTTTTGACTAAATGATTAAA-3'
Protein context (NP_056087.2, residues 287-307): GKFIQLQEKQ[Arg297Lys]TLRISHDALM

ClinVar aggregate classification (germline): Uncertain significance. Review status: criteria provided, multiple submitters, no conflicts (2 of 4 stars). 4 submissions from 4 submitters: Uncertain significance (3). 1 of the submissions does not count toward it. Last evaluated 2024-02-10.

Conditions:
Meckel syndrome, type 5 (MKS5). Identifiers: Orphanet 564, MedGen C1969052, MONDO:0012695, OMIM 611561.
Joubert syndrome 7 (JBTS7). Identifiers: Orphanet 220497, MedGen C1969053, MONDO:0012694, OMIM 611560.
COACH syndrome 3. Identifiers: MedGen C5436841, MONDO:0030862, OMIM 619113.
Meckel-Gruber syndrome. Also called: DYSENCEPHALIA SPLANCHNOCYSTICA; GRUBER SYNDROME; Dysencephalia splachnocystica. Identifiers: Orphanet 564, MedGen C0265215, MONDO:0018921.
Joubert syndrome. Also called: Familial aplasia of the vermis; JOUBERT-BOLTSHAUSER SYNDROME. Identifiers: Orphanet 475, MedGen C5979921, MONDO:0018772.
RPGRIP1L-related disorder. Also called: RPGRIP1L-related condition; RPGRIP1L-related disorders. Identifiers: MedGen CN239416.

Allele frequency attached by ClinVar (database versions not stated): TOPMed 0.00002.

Submissions (4):

Fulgent Genetics
Classification: Uncertain significance for Joubert syndrome 7; Meckel syndrome, type 5; COACH syndrome 3. Last evaluated: 2024-02-10. Review status: criteria provided, single submitter. Criteria: ACMG Guidelines, 2015. Collection method: clinical testing. Allele origin: germline.

Blueprint Genetics
Classification: Uncertain significance. Last evaluated: 2022-11-10. Review status: criteria provided, single submitter. Criteria: ACMG Guidelines, 2015. Collection method: clinical testing. Allele origin: germline.

Labcorp Genetics (formerly Invitae), Labcorp
Classification: Uncertain significance for Joubert syndrome; Meckel-Gruber syndrome. Last evaluated: 2022-10-24. Review status: criteria provided, single submitter. Criteria: Invitae Variant Classification Sherloc (09022015). Collection method: clinical testing. Allele origin: germline.
Comment: This sequence change replaces arginine, which is basic and polar, with lysine, which is basic and polar, at codon 297 of the RPGRIP1L protein (p.Arg297Lys). This variant is present in population databases (no rsID available, gnomAD 0.003%). This variant has not been reported in the literature in individuals affected with RPGRIP1L-related conditions. Advanced modeling of protein sequence and biophysical properties (such as structural, functional, and spatial information, amino acid conservation, physicochemical variation, residue mobility, and thermodynamic stability) performed at Invitae indicates that this missense variant is not expected to disrupt RPGRIP1L protein function. Algorithms developed to predict the effect of sequence changes on RNA splicing suggest that this variant may disrupt the consensus splice site. In summary, the available evidence is currently insufficient to determine the role of this variant in disease. Therefore, it has been classified as a Variant of Uncertain Significance.

PreventionGenetics, part of Exact Sciences
Classification: Uncertain significance for RPGRIP1L-related condition. Last evaluated: 2024-09-27. Review status: no assertion criteria provided. Collection method: clinical testing. Allele origin: germline. Not counted in ClinVar's aggregate classification.
Comment: The RPGRIP1L c.890G>A variant is predicted to result in the amino acid substitution p.Arg297Lys. To our knowledge, this variant has not been reported in the literature. This variant is reported in 0.0029% of alleles in individuals of Latino descent in gnomAD. At this time, the clinical significance of this variant is uncertain due to the absence of conclusive functional and genetic evidence.